The following is an entry in ClinVar:

ClinVar aggregate classification (germline): Uncertain significance (1 of 4 stars; one submission).

Conditions:
Hereditary cancer-predisposing syndrome. Also called: Hereditary Cancer Syndrome; Hereditary neoplastic syndrome; Neoplastic Syndromes, Hereditary; Tumor predisposition. Identifiers: Orphanet 140162, MedGen C0027672, MeSH D009386, MONDO:0015356.

Submission:

Ambry Genetics
Classification: Uncertain significance for Hereditary cancer-predisposing syndrome. Last evaluated: 2021-06-06. Review status: criteria provided, single submitter. Criteria: Ambry Variant Classification Scheme 2023. Collection method: clinical testing. Allele origin: germline.
Comment: The p.C3304G variant (also known as c.9910T>G), located in coding exon 26 of the BRCA2 gene, results from a T to G substitution at nucleotide position 9910. The cysteine at codon 3304 is replaced by glycine, an amino acid with highly dissimilar properties. This amino acid position is well conserved in available vertebrate species. In addition, this alteration is predicted to be tolerated by in silico analysis. Since supporting evidence is limited at this time, the clinical significance of this alteration remains unclear.

NM_000059.4(BRCA2):c.9910T>G (p.Cys3304Gly)

Gene: BRCA2 (BRCA2 DNA repair associated; plus strand). Cytogenetic location: 13q13.1.
Variant type: single nucleotide variant.
Coding change: c.9910T>G on transcript NM_000059.4 (MANE Select); coding-DNA position 9910, T replaced by G.
Protein change: p.Cys3304Gly; replaces cysteine 3304 with glycine.
Molecular consequence: missense variant.
Genome position (GRCh38, 1-based): chr13:32,398,423, T>G. VCF-style: chr13-32398423-T-G. GRCh37 (hg19) VCF-style: chr13-32972560-T-G.
Other names: c.9814T>G, p.Cys3272Gly (NM_001406719.1); c.9859T>G, p.Cys3287Gly (NM_001406720.1); c.4978T>G, p.Cys1660Gly (NM_001406721.1); c.3493T>G, p.Cys1165Gly (NM_001406722.1); short protein forms C3304G, C1660G, C3272G, C3287G, C1165G.
Identifiers: ClinVar variation 1768595 (VCV001768595.2), dbSNP rs2137664933, ClinGen allele CA387766998.
Genomic context (GRCh38, chr13:32,398,423, plus strand): 5'-AGTCCCATTTGTACATTTGTTTCTCCGGCTGCACAGAAGGCATTTCAGCCACCAAGGAGT[T>G]GTGGCACCAAATACGAAACACCCATAAAGAAAAAAGAACTGAATTCTCCTCAGATGACTC-3'
Protein context (NP_000050.3, residues 3294-3314): AQKAFQPPRS[Cys3304Gly]GTKYETPIKK